The following is an entry in ClinVar:

ClinVar aggregate classification (germline): Likely benign (1 of 4 stars; one submission).

Conditions:
Maturity-onset diabetes of the young type 6 (MODY6). Identifiers: Orphanet 552, MedGen C1853371, MONDO:0011668, OMIM 606394.

Allele frequency attached by ClinVar (database versions not stated): TOPMed 0.00106; 1000 Genomes Project 0.00160; gnomAD 0.00099; 1000 Genomes Project 30x 0.00203.
gnomAD v4.1: 162 of 152,158 alleles (0.11%); highest among the groups gnomAD compares: African/African-American, 0.28%; no homozygotes.

Submission:

Illumina Laboratory Services, Illumina
Classification: Likely benign for Maturity-onset diabetes of the young type 6. Last evaluated: 2018-01-12. Review status: criteria provided, single submitter. Criteria: ICSL Variant Classification Criteria 13 December 2019. Collection method: clinical testing. Allele origin: germline.
Comment: This variant was observed in the ICSL laboratory as part of a predisposition screen in an ostensibly healthy population. It had not been previously curated by ICSL or reported in the Human Gene Mutation Database (HGMD: prior to June 1st, 2018), and was therefore a candidate for classification through an automated scoring system. Utilizing variant allele frequency, disease prevalence and penetrance estimates, and inheritance mode, an automated score was calculated to assess if this variant is too frequent to cause the disease. Based on the score and internal cut-off values, a variant classified as likely benign is not then subjected to further curation. The score for this variant resulted in a classification of likely benign for this disease.

NM_002500.4(NEUROD1):c.*1555C>T

Gene: NEUROD1 (neuronal differentiation 1; minus strand). Cytogenetic location: 2q31.3.
Variant type: single nucleotide variant.
Coding change: c.*1555C>T on transcript NM_002500.4; 1555 bases downstream of the stop codon, C replaced by T.
Genome position (GRCh38, 1-based): chr2:181,676,235, G>A on the plus strand (C>T on the coding strand, the complement: NEUROD1 is on the minus strand). VCF-style: chr2-181676235-G-A. GRCh37 (hg19) VCF-style: chr2-182540962-G-A.
Identifiers: ClinVar variation 333019 (VCV000333019.7), dbSNP rs192155087, ClinGen allele CA10612144.